The following is an entry in ClinVar:

ClinVar aggregate classification (germline): Pathogenic. Review status: criteria provided, multiple submitters, no conflicts (2 of 4 stars). 2 submissions from 2 submitters: Pathogenic (2). Last evaluated 2026-09-08.

Conditions:
Focal dermal hypoplasia (FDH). Also called: Goltz syndrome. Identifiers: Orphanet 2092, MedGen C0016395, MONDO:0010592, OMIM 305600.

Submissions (2):

Institute of Medical Genetics and Applied Genomics, University Hospital Tübingen
Classification: Pathogenic for Focal dermal hypoplasia. Last evaluated: 2026-09-08. Review status: criteria provided, single submitter. Criteria: ACMG Guidelines, 2015. Collection method: clinical testing. Allele origin: germline. Inheritance: X-linked dominant inheritance.

Broad Center for Mendelian Genomics, Broad Institute of MIT and Harvard
Classification: Pathogenic for Focal dermal hypoplasia. Last evaluated: 2018-12-03. Review status: criteria provided, single submitter. Criteria: ACMG Guidelines, 2015. Collection method: research. Allele origin: de novo. Inheritance: X-linked inheritance. Affected: yes.
Comment: Trio exome analysis showed this variant to be de novo. The p.Arg95Ter variant in PORCN has been reported in 2 additional individuals, one with de novo inheritance, with focal dermal hypoplasia in the literature (PMID: 19586929, 19309688). This variant was absent from large population studies. This nonsense variant leads to a premature termination codon at position 95, which is predicted to lead to a truncated or absent protein. Heterozygous loss of function of the PORCN gene is an established disease mechanism for focal dermal hypoplasia. In summary, the p.Arg95Ter variant is pathogenic based off of our findings, a de novo report in the literature, and ClinVar. ACMG/AMP Criteria applied: PM2, PVS1, PS2, PM6 (Richards 2015).

Literature cited by the submitters: PubMed 19586929 (cited by Broad Center for Mendelian Genomics, Broad Institute of MIT and Harvard); PubMed 19309688 (cited by Broad Center for Mendelian Genomics, Broad Institute of MIT and Harvard).

NM_203475.3(PORCN):c.283C>T (p.Arg95Ter)

Genes: PORCN (porcupine O-acyltransferase; plus strand), PORCN-DT (PORCN divergent transcript; minus strand). Cytogenetic location: Xp11.23.
Variant type: single nucleotide variant.
Coding change: c.283C>T on transcript NM_203475.3 (MANE Select); coding-DNA position 283, C replaced by T.
Protein change: p.Arg95Ter; replaces arginine 95 with a stop codon.
Molecular consequence: nonsense.
Genome position (GRCh38, 1-based): chrX:48,511,441, C>T. VCF-style: chrX-48511441-C-T. GRCh37 (hg19) VCF-style: chrX-48369829-C-T.
Other names: c.70C>T, p.Arg24Ter (NM_001282167.2); c.283C>T, p.Arg95Ter (NM_022825.4, NM_203473.3, NM_203474.1); short protein forms R95*, R24*.
Identifiers: ClinVar variation 813937 (VCV000813937.2), dbSNP rs1602070472, ClinGen allele CA412843109.